The following is an entry in ClinVar:

NM_006767.4(LZTR1):c.1278A>C (p.Lys426Asn)

Gene: LZTR1 (leucine zipper like post translational regulator 1; plus strand). Cytogenetic location: 22q11.21.
Variant type: single nucleotide variant.
Coding change: c.1278A>C on transcript NM_006767.4 (MANE Select); coding-DNA position 1278, A replaced by C.
Protein change: p.Lys426Asn; replaces lysine 426 with asparagine.
Molecular consequence: missense variant.
Genome position (GRCh38, 1-based): chr22:20,993,679, A>C. VCF-style: chr22-20993679-A-C. GRCh37 (hg19) VCF-style: chr22-21347968-A-C.
Other names: short protein forms K426N.
Identifiers: ClinVar variation 3238048 (VCV003238048.1), dbSNP rs2518619902.

ClinVar aggregate classification (germline): Uncertain significance (1 of 4 stars; one submission).

Conditions:
Hereditary cancer-predisposing syndrome. Also called: Neoplastic Syndromes, Hereditary; Tumor predisposition; Hereditary neoplastic syndrome; Hereditary Cancer Syndrome. Identifiers: Orphanet 140162, MedGen C0027672, MeSH D009386, MONDO:0015356.
Cardiovascular phenotype. Identifiers: MedGen CN230736.

Submission:

Ambry Genetics
Classification: Uncertain significance for Cardiovascular phenotype; Hereditary cancer-predisposing syndrome. Last evaluated: 2023-04-19. Review status: criteria provided, single submitter. Criteria: Ambry Variant Classification Scheme 2023. Collection method: clinical testing. Allele origin: germline.
Comment: The p.K426N variant (also known as c.1278A>C), located in coding exon 12 of the LZTR1 gene, results from an A to C substitution at nucleotide position 1278. The lysine at codon 426 is replaced by asparagine, an amino acid with similar properties. This amino acid position is conserved. In addition, this alteration is predicted to be tolerated by in silico analysis. Since supporting evidence is limited at this time, the clinical significance of this alteration remains unclear.